The following is an entry in ClinVar:

ClinVar aggregate classification (germline): Uncertain significance. Review status: criteria provided, multiple submitters, no conflicts (2 of 4 stars). 2 submissions from 2 submitters: Uncertain significance (2). Last evaluated 2025-12-16.

Conditions:
Bardet-Biedl syndrome (BBS). Identifiers: Orphanet 110, MedGen C0752166, MONDO:0015229.
Inborn genetic diseases. Identifiers: MedGen C0950123, MeSH D030342.

Allele frequency attached by ClinVar (database versions not stated): TOPMed below 0.00001.

Submissions (2):

Ambry Genetics
Classification: Uncertain significance for Inborn genetic diseases. Last evaluated: 2025-12-16. Review status: criteria provided, single submitter. Criteria: Ambry Variant Classification Scheme 2023. Collection method: clinical testing. Allele origin: germline.

Labcorp Genetics (formerly Invitae), Labcorp
Classification: Uncertain significance for Bardet-Biedl syndrome. Last evaluated: 2022-02-22. Review status: criteria provided, single submitter. Criteria: Invitae Variant Classification Sherloc (09022015). Collection method: clinical testing. Allele origin: germline.
Comment: This sequence change replaces leucine, which is neutral and non-polar, with valine, which is neutral and non-polar, at codon 699 of the BBS10 protein (p.Leu699Val). This variant is present in population databases (no rsID available, gnomAD 0.0009%). This variant has not been reported in the literature in individuals affected with BBS10-related conditions. Algorithms developed to predict the effect of missense changes on protein structure and function (SIFT, PolyPhen-2, Align-GVGD) all suggest that this variant is likely to be disruptive. Algorithms developed to predict the effect of sequence changes on RNA splicing suggest that this variant may create or strengthen a splice site. In summary, the available evidence is currently insufficient to determine the role of this variant in disease. Therefore, it has been classified as a Variant of Uncertain Significance.

NM_024685.4(BBS10):c.2095T>G (p.Leu699Val)

Gene: BBS10 (Bardet-Biedl syndrome 10; minus strand). Cytogenetic location: 12q21.2.
Variant type: single nucleotide variant.
Coding change: c.2095T>G on transcript NM_024685.4 (MANE Select); coding-DNA position 2095, T replaced by G.
Protein change: p.Leu699Val; replaces leucine 699 with valine.
Molecular consequence: missense variant.
Genome position (GRCh38, 1-based): chr12:76,345,890, A>C on the plus strand (T>G on the coding strand, the complement: BBS10 is on the minus strand). VCF-style: chr12-76345890-A-C. GRCh37 (hg19) VCF-style: chr12-76739670-A-C.
Other names: c.2095T>G (NM_024685.3); short protein forms L699V.
Identifiers: ClinVar variation 2145193 (VCV002145193.3), dbSNP rs1344405517, ClinGen allele CA385808321.
Genomic context (GRCh38, chr12:76,345,890, plus strand): 5'-AATCTTGATTGTGAACTTTCTGAGGGTGTCTCTTAACAGTGATTACCATGTCAATGGTTA[A>C]TATTTTTGTCAAACACTGAAGAACTGAAGTTAGTAGCTGGTATTTACCCATTACTGATTC-3'
Protein context (NP_078961.3, residues 689-709): TSVLQCLTKI[Leu699Val]TIDMVITVKR